The following is an entry in ClinVar:

ClinVar aggregate classification (germline): Uncertain significance. Review status: criteria provided, multiple submitters, no conflicts (2 of 4 stars). 3 submissions from 3 submitters: Uncertain significance (3). Last evaluated 2025-07-28.

Conditions:
Wilson disease (WND). Also called: Wilson's disease. Identifiers: Orphanet 905, MedGen C0019202, MONDO:0010200, OMIM 277900. Disease mechanism: loss of function.

Allele frequency attached by ClinVar (database versions not stated): gnomAD exomes below 0.00001 and 0.00001; gnomAD 0.00001 and 0.00002; TOPMed 0.00001.
gnomAD v4.1: 8 of 1,614,104 alleles (0.0005%); highest among the groups gnomAD compares: Non-Finnish European, 0.00068%; no homozygotes.

Submissions (3):

Color Diagnostics, LLC DBA Color Health
Classification: Uncertain significance for Wilson disease. Last evaluated: 2025-07-28. Review status: criteria provided, single submitter. Criteria: ACMG Guidelines, 2015. Collection method: clinical testing. Allele origin: germline.
Comment: This missense variant replaces alanine with aspartic acid at codon 38 of the ATP7B protein. Computational prediction suggests that this variant may have deleterious impact on protein structure and function. To our knowledge, functional studies have not been reported for this variant. This variant has not been reported in individuals affected with ATP7B-related disorders in the literature. This variant has been identified in 4/280842 chromosomes in the general population by the Genome Aggregation Database (gnomAD). The available evidence is insufficient to determine the role of this variant in disease conclusively. Therefore, this variant is classified as a Variant of Uncertain Significance.

Fulgent Genetics
Classification: Uncertain significance for Wilson disease. Last evaluated: 2024-03-08. Review status: criteria provided, single submitter. Criteria: ACMG Guidelines, 2015. Collection method: clinical testing. Allele origin: germline.

Labcorp Genetics (formerly Invitae), Labcorp
Classification: Uncertain significance for Wilson disease. Last evaluated: 2021-08-28. Review status: criteria provided, single submitter. Criteria: Invitae Variant Classification Sherloc (09022015). Collection method: clinical testing. Allele origin: germline.
Comment: This sequence change replaces alanine with aspartic acid at codon 38 of the ATP7B protein (p.Ala38Asp). The alanine residue is moderately conserved and there is a moderate physicochemical difference between alanine and aspartic acid. This variant is not present in population databases (ExAC no frequency). This variant has not been reported in the literature in individuals affected with ATP7B-related conditions. Algorithms developed to predict the effect of missense changes on protein structure and function are either unavailable or do not agree on the potential impact of this missense change (SIFT: "Deleterious"; PolyPhen-2: "Possibly Damaging"; Align-GVGD: "Class C0"). In summary, the available evidence is currently insufficient to determine the role of this variant in disease. Therefore, it has been classified as a Variant of Uncertain Significance.

NM_000053.4(ATP7B):c.113C>A (p.Ala38Asp)

Gene: ATP7B (ATPase copper transporting beta; minus strand). Cytogenetic location: 13q14.3.
Variant type: single nucleotide variant.
Coding change: c.113C>A on transcript NM_000053.4 (MANE Select); coding-DNA position 113, C replaced by A.
Protein change: p.Ala38Asp; replaces alanine 38 with aspartic acid.
Molecular consequence: missense variant.
Genome position (GRCh38, 1-based): chr13:51,975,107, G>T on the plus strand (C>A on the coding strand, the complement: ATP7B is on the minus strand). VCF-style: chr13-51975107-G-T. GRCh37 (hg19) VCF-style: chr13-52549243-G-T.
Other names: c.113C>A, p.Ala38Asp (NM_001005918.3, NM_001243182.2, NM_001330578.2 and 1 more transcripts); short protein forms A38D.
Identifiers: ClinVar variation 1023878 (VCV001023878.8), dbSNP rs935963471, ClinGen allele CA250067975.